The following is an entry in ClinVar:

ClinVar aggregate classification (germline): Uncertain significance (1 of 4 stars; one submission).

gnomAD v4.1: 3 of 1,535,410 alleles (0.0002%); highest among the groups gnomAD compares: Non-Finnish European, 0.00026%; no homozygotes.

Submission:

Labcorp Genetics (formerly Invitae), Labcorp
Classification: Uncertain significance. Last evaluated: 2024-04-30. Review status: criteria provided, single submitter. Criteria: Invitae Variant Classification Sherloc (09022015). Collection method: clinical testing. Allele origin: germline.
Comment: This sequence change replaces glutamic acid, which is acidic and polar, with valine, which is neutral and non-polar, at codon 510 of the IFT88 protein (p.Glu510Val). This variant is present in population databases (no rsID available, gnomAD 0.007%). This variant has not been reported in the literature in individuals affected with IFT88-related conditions. ClinVar contains an entry for this variant (Variation ID: 1482833). An algorithm developed to predict the effect of missense changes on protein structure and function (PolyPhen-2) suggests that this variant is likely to be disruptive. In summary, the available evidence is currently insufficient to determine the role of this variant in disease. Therefore, it has been classified as a Variant of Uncertain Significance.

NM_006531.5(IFT88):c.1502A>T (p.Glu501Val)

Gene: IFT88 (intraflagellar transport 88; plus strand). Cytogenetic location: 13q12.11.
Variant type: single nucleotide variant.
Coding change: c.1502A>T on transcript NM_006531.5 (MANE Select); coding-DNA position 1502, A replaced by T.
Protein change: p.Glu501Val; replaces glutamic acid 501 with valine.
Molecular consequence: missense variant. On other transcripts: non-coding transcript variant (4).
Genome position (GRCh38, 1-based): chr13:20,638,447, A>T. VCF-style: chr13-20638447-A-T. GRCh37 (hg19) VCF-style: chr13-21212586-A-T.
Other names: c.1445A>T, p.Glu482Val (NM_001318491.2, NM_001353575.2); c.1529A>T, p.Glu510Val (NM_001318493.2, NM_001353565.2, NM_001353566.2 and 2 more transcripts); c.1502A>T, p.Glu501Val (NM_001353568.2, NM_001353572.2); c.1427A>T, p.Glu476Val (NM_001353569.2, NM_001353570.2, NM_001353576.2 and 1 more transcripts); c.1400A>T, p.Glu467Val (NM_001353571.2, NM_001353578.2); c.1358A>T, p.Glu453Val (NM_001353573.2); c.1343A>T, p.Glu448Val (NM_001353574.2); c.869A>T, p.Glu290Val (NM_001353579.2); short protein forms E448V, E453V, E482V, E510V, E467V, E501V, E290V, E476V.
Identifiers: ClinVar variation 1482833 (VCV001482833.6), dbSNP rs1229614809, ClinGen allele CA387473420.